The following is an entry in ClinVar:

ClinVar aggregate classification (germline): Uncertain significance (1 of 4 stars; one submission).

Allele frequency attached by ClinVar (database versions not stated): gnomAD exomes 0.00008; ExAC 0.00033.
gnomAD v4.1: 30 of 1,494,580 alleles (0.002%); highest among the groups gnomAD compares: South Asian, 0.028%; no homozygotes.

Submission:

Labcorp Genetics (formerly Invitae), Labcorp
Classification: Uncertain significance. Last evaluated: 2021-12-10. Review status: criteria provided, single submitter. Criteria: Invitae Variant Classification Sherloc (09022015). Collection method: clinical testing. Allele origin: germline.
Comment: In summary, the available evidence is currently insufficient to determine the role of this variant in disease. Therefore, it has been classified as a Variant of Uncertain Significance. Algorithms developed to predict the effect of missense changes on protein structure and function (SIFT, PolyPhen-2, Align-GVGD) all suggest that this variant is likely to be tolerated. This variant has not been reported in the literature in individuals affected with FAM20C-related conditions. The frequency data for this variant in the population databases is considered unreliable, as metrics indicate poor data quality at this position in the gnomAD database. This sequence change replaces glutamic acid, which is acidic and polar, with lysine, which is basic and polar, at codon 115 of the FAM20C protein (p.Glu115Lys).

NM_020223.4(FAM20C):c.343G>A (p.Glu115Lys)

Gene: FAM20C (FAM20C golgi associated secretory pathway kinase; plus strand). Cytogenetic location: 7p22.3.
Variant type: single nucleotide variant.
Coding change: c.343G>A on transcript NM_020223.4 (MANE Select); coding-DNA position 343, G replaced by A.
Protein change: p.Glu115Lys; replaces glutamic acid 115 with lysine.
Molecular consequence: missense variant.
Genome position (GRCh38, 1-based): chr7:193,542, G>A. VCF-style: chr7-193542-G-A. GRCh37 (hg19) VCF-style: chr7-193542-G-A.
Other names: short protein forms E115K.
Identifiers: ClinVar variation 1441324 (VCV001441324.6), dbSNP rs754720957, ClinGen allele CA4108902.